The following is an entry in ClinVar:

NM_012123.4(MTO1):c.1756+324G>A

Gene: MTO1 (mitochondrial tRNA translation optimization 1; plus strand). Cytogenetic location: 6q13.
Variant type: single nucleotide variant.
Coding change: c.1756+324G>A on transcript NM_012123.4 (MANE Select); 324 bases into the intron after coding-DNA position 1756, G replaced by A.
Molecular consequence: intron variant.
Genome position (GRCh38, 1-based): chr6:73,492,676, G>A. VCF-style: chr6-73492676-G-A. GRCh37 (hg19) VCF-style: chr6-74202399-G-A.
Other names: c.1831+324G>A (NM_133645.3); c.1876+324G>A (NM_001123226.2).
Identifiers: ClinVar variation 674143 (VCV000674143.1), dbSNP rs115573605, ClinGen allele CA140928066.
Genomic context (GRCh38, chr6:73,492,676, plus strand): 5'-CCTGGCCAATATGGCAAAACCCTGTCTCTACAAAAAAAATACAAAAAATTAGCTGGATGT[G>A]AAGATACATGCCTGTAGTGCCAACTACTATGGAGACAGAGGTGGGAGGATTGCTTGAGGC-3'

ClinVar aggregate classification (germline): Likely benign (1 of 4 stars; one submission).

Allele frequency attached by ClinVar (database versions not stated): gnomAD exomes 0.00201; gnomAD 0.01062 and 0.01149; 1000 Genomes Project 30x 0.01156; 1000 Genomes Project 0.01218; TOPMed 0.01258.
gnomAD v4.1: 1,768 of 230,632 alleles (0.77%); highest among the groups gnomAD compares: African/African-American, 3.7%; 29 homozygotes.

Submission:

GeneDx
Classification: Likely benign. Last evaluated: 2018-06-19. Review status: criteria provided, single submitter. Criteria: GeneDx Variant Classification (06012015). Collection method: clinical testing. Allele origin: germline. Affected: yes.
Comment: This variant is considered likely benign or benign based on one or more of the following criteria: it is a conservative change, it occurs at a poorly conserved position in the protein, it is predicted to be benign by multiple in silico algorithms, and/or has population frequency not consistent with disease.